The following is an entry in ClinVar:

NM_024496.4(IRF2BPL):c.1515C>T (p.Pro505=)

Gene: IRF2BPL (interferon regulatory factor 2 binding protein like; minus strand). Cytogenetic location: 14q24.3.
Variant type: single nucleotide variant.
Coding change: c.1515C>T on transcript NM_024496.4 (MANE Select); coding-DNA position 1515, C replaced by T.
Protein change: p.Pro505=; no amino-acid change (proline 505 retained).
Molecular consequence: synonymous variant.
Genome position (GRCh38, 1-based): chr14:77,026,278, G>A on the plus strand (C>T on the coding strand, the complement: IRF2BPL is on the minus strand). VCF-style: chr14-77026278-G-A. GRCh37 (hg19) VCF-style: chr14-77492621-G-A.
Identifiers: ClinVar variation 3771145 (VCV003771145.14).

ClinVar aggregate classification (germline): Likely benign. Review status: criteria provided, multiple submitters, no conflicts (2 of 4 stars). 2 submissions from 2 submitters: Likely benign (2). Last evaluated 2025-02-01.

Submissions (2):

CeGaT Center for Human Genetics Tuebingen
Classification: Likely benign. Last evaluated: 2025-02-01. Review status: criteria provided, single submitter. Criteria: CeGaT Center For Human Genetics Tuebingen Variant Classification Criteria Version 2. Collection method: clinical testing. Allele origin: germline. Affected: yes. Observed: 1 variant allele.
Comment: IRF2BPL: BP4, BP7

Blueprint Genetics
Classification: Likely benign. Last evaluated: 2022-08-24. Review status: criteria provided, single submitter. Criteria: ACMG Guidelines, 2015. Collection method: clinical testing. Allele origin: germline.